The following is an entry in ClinVar:

ClinVar aggregate classification (germline): Uncertain significance. Review status: criteria provided, multiple submitters, no conflicts (2 of 4 stars). 2 submissions from 2 submitters: Uncertain significance (2). Last evaluated 2025-08-11.

Conditions:
Idiopathic generalized epilepsy. Also called: Generalised epilepsy; EIG. Identifiers: MedGen C0270850, MONDO:0005579, OMIM 600669.

Allele frequency attached by ClinVar (database versions not stated): gnomAD exomes 0.00002; gnomAD 0.00003; TOPMed 0.00003.
gnomAD v4.1: 25 of 1,181,786 alleles (0.0021%); highest among the groups gnomAD compares: Admixed American, 0.015%; 1 homozygote.

Submissions (2):

Ambry Genetics
Classification: Uncertain significance. Last evaluated: 2025-08-11. Review status: criteria provided, single submitter. Criteria: Ambry Variant Classification Scheme 2023. Collection method: clinical testing. Allele origin: germline.

Labcorp Genetics (formerly Invitae), Labcorp
Classification: Uncertain significance for Idiopathic generalized epilepsy. Last evaluated: 2025-07-21. Review status: criteria provided, single submitter. Criteria: Invitae Variant Classification Sherloc (09022015). Collection method: clinical testing. Allele origin: germline.
Comment: This sequence change replaces glutamine, which is neutral and polar, with arginine, which is basic and polar, at codon 31 of the RBFOX3 protein (p.Gln31Arg). This variant is present in population databases (no rsID available, gnomAD 0.005%). This variant has not been reported in the literature in individuals affected with RBFOX3-related conditions. ClinVar contains an entry for this variant (Variation ID: 1415445). Invitae Evidence Modeling of protein sequence and biophysical properties (such as structural, functional, and spatial information, amino acid conservation, physicochemical variation, residue mobility, and thermodynamic stability) indicates that this missense variant is not expected to disrupt RBFOX3 protein function with a negative predictive value of 80%. In summary, the available evidence is currently insufficient to determine the role of this variant in disease. Therefore, it has been classified as a Variant of Uncertain Significance.

NM_001350451.2(RBFOX3):c.92A>G (p.Gln31Arg)

Gene: RBFOX3 (RNA binding fox-1 homolog 3; minus strand). Cytogenetic location: 17q25.3.
Variant type: single nucleotide variant.
Coding change: c.92A>G on transcript NM_001350451.2 (MANE Select); coding-DNA position 92, A replaced by G.
Protein change: p.Gln31Arg; replaces glutamine 31 with arginine.
Molecular consequence: missense variant.
Genome position (GRCh38, 1-based): chr17:79,115,624, T>C on the plus strand (A>G on the coding strand, the complement: RBFOX3 is on the minus strand). VCF-style: chr17-79115624-T-C. GRCh37 (hg19) VCF-style: chr17-77111706-T-C.
Other names: c.92A>G (NM_001082575.1); c.92A>G, p.Gln31Arg (NM_001082575.3, NM_001350453.2, NM_001385804.1 and 43 more transcripts); short protein forms Q31R.
Identifiers: ClinVar variation 1415445 (VCV001415445.9), dbSNP rs1332700365, ClinGen allele CA401318113.